The following is an entry in ClinVar:

NM_002834.5(PTPN11):c.1480A>G (p.Ile494Val)

Gene: PTPN11 (protein tyrosine phosphatase non-receptor type 11; plus strand). Cytogenetic location: 12q24.13.
Variant type: single nucleotide variant.
Coding change: c.1480A>G on transcript NM_002834.5 (MANE Select); coding-DNA position 1480, A replaced by G.
Protein change: p.Ile494Val; replaces isoleucine 494 with valine.
Molecular consequence: missense variant.
Genome position (GRCh38, 1-based): chr12:112,489,056, A>G. VCF-style: chr12-112489056-A-G. GRCh37 (hg19) VCF-style: chr12-112926860-A-G.
Other names: c.1492A>G, p.Ile498Val (NM_001330437.2); c.1477A>G, p.Ile493Val (NM_001374625.1); short protein forms I493V, I494V, I498V.
Identifiers: ClinVar variation 1699736 (VCV001699736.2), dbSNP rs2135916177, ClinGen allele CA386779760.
Genomic context (GRCh38, chr12:112,489,056, plus strand): 5'-TTTATTCTTCATGATGTTTCCTTCGTAGGTGTTGACTGCGATATTGACGTTCCCAAAACC[A>G]TCCAGATGGTGCGGTCTCAGAGGTCAGGGATGGTCCAGACAGAAGCACAGTACCGATTTA-3'
Protein context (NP_002825.3, residues 484-504): VDCDIDVPKT[Ile494Val]QMVRSQRSGM

ClinVar aggregate classification (germline): Uncertain significance (1 of 4 stars; one submission).

Submission:

GeneDx
Classification: Uncertain significance. Last evaluated: 2022-01-28. Review status: criteria provided, single submitter. Criteria: GeneDx Variant Classification Process June 2021. Collection method: clinical testing. Allele origin: germline. Affected: yes.
Comment: Not observed at significant frequency in large population cohorts (gnomAD); Missense variants in this gene are often considered pathogenic (HGMD); In silico analysis supports that this missense variant does not alter protein structure/function; Has not been previously published as pathogenic or benign to our knowledge; This variant is associated with the following publications: (PMID: 29493581)